The following is an entry in ClinVar:

ClinVar aggregate classification (germline): Uncertain significance (1 of 4 stars; one submission).

Conditions:
Inborn genetic diseases. Identifiers: MedGen C0950123, MeSH D030342.

Allele frequency attached by ClinVar (database versions not stated): gnomAD 0.00016; gnomAD exomes below 0.00001; 1000 Genomes Project 0.00026; ExAC 0.00004; 1000 Genomes Project 30x 0.00021; TOPMed 0.00028.
gnomAD v4.1: 22 of 1,208,728 alleles (0.0018%); highest among the groups gnomAD compares: Admixed American, 0.044%; no homozygotes.

Submission:

Ambry Genetics
Classification: Uncertain significance for Inborn genetic diseases. Last evaluated: 2026-06-29. Review status: criteria provided, single submitter. Criteria: Ambry Variant Classification Scheme 2023. Collection method: clinical testing. Allele origin: germline.
Comment: The c.2227G>A (p.D743N) alteration is located in exon 5 (coding exon 5) of the MAMLD1 gene. This alteration results from a G to A substitution at nucleotide position 2227, causing the aspartic acid (D) at amino acid position 743 to be replaced by an asparagine (N). Based on data from gnomAD, the A allele has an overall frequency of 0.002% (3/179134) total alleles studied. The highest observed frequency was 0.023% (1/4426) of Other alleles. Based on insufficient or conflicting evidence, the clinical significance of this alteration remains unclear.

NM_005491.5(MAMLD1):c.2227G>A (p.Asp743Asn)

Gene: MAMLD1 (mastermind like domain containing 1; plus strand). Cytogenetic location: Xq28.
Variant type: single nucleotide variant.
Coding change: c.2227G>A on transcript NM_005491.5 (MANE Select); coding-DNA position 2227, G replaced by A.
Protein change: p.Asp743Asn; replaces aspartic acid 743 with asparagine.
Molecular consequence: missense variant. On other transcripts: intron variant (2).
Genome position (GRCh38, 1-based): chrX:150,503,460, G>A. VCF-style: chrX-150503460-G-A. GRCh37 (hg19) VCF-style: chrX-149671730-G-A.
Other names: c.2152G>A, p.Asp718Asn (NM_001177466.3); c.2104G>A, p.Asp702Asn (NM_001400513.1); c.2029G>A, p.Asp677Asn (NM_001400514.1); c.2227G>A, p.Asp743Asn (NM_001400515.1); c.1918-6502G>A (NM_001400512.1); c.1843-6502G>A (NM_001177465.3); short protein forms D677N, D702N, D718N, D743N.
Identifiers: ClinVar variation 3122434 (VCV003122434.2), dbSNP rs782808215, ClinGen allele CA10538935.